The following is an entry in ClinVar:

NM_001042492.3(NF1):c.5366A>G (p.Glu1789Gly)

Gene: NF1 (neurofibromin 1; plus strand). Cytogenetic location: 17q11.2.
Variant type: single nucleotide variant.
Coding change: c.5366A>G on transcript NM_001042492.3 (MANE Select); coding-DNA position 5366, A replaced by G.
Protein change: p.Glu1789Gly; replaces glutamic acid 1789 with glycine.
Molecular consequence: missense variant.
Genome position (GRCh38, 1-based): chr17:31,327,596, A>G. VCF-style: chr17-31327596-A-G. GRCh37 (hg19) VCF-style: chr17-29654614-A-G.
Other names: c.5303A>G, p.Glu1768Gly (NM_000267.4); short protein forms E1768G, E1789G.
Identifiers: ClinVar variation 484052 (VCV000484052.5), dbSNP rs1555533573, ClinGen allele CA399009276.

ClinVar aggregate classification (germline): Uncertain significance (1 of 4 stars; one submission).

Conditions:
Cardiovascular phenotype. Identifiers: MedGen CN230736.
Hereditary cancer-predisposing syndrome. Also called: Neoplastic Syndromes, Hereditary; Tumor predisposition; Hereditary Cancer Syndrome; Hereditary neoplastic syndrome. Identifiers: Orphanet 140162, MedGen C0027672, MeSH D009386, MONDO:0015356.

Submission:

Ambry Genetics
Classification: Uncertain significance for Cardiovascular phenotype; Hereditary cancer-predisposing syndrome. Last evaluated: 2016-08-06. Review status: criteria provided, single submitter. Criteria: Ambry Variant Classification Scheme 2023. Collection method: clinical testing. Allele origin: germline.
Comment: The p.E1768G variant (also known as c.5303A>G), located in coding exon 37 of the NF1 gene, results from an A to G substitution at nucleotide position 5303. The glutamic acid at codon 1768 is replaced by glycine, an amino acid with similar properties. This variant was not reported in population based cohorts in the following databases: Database of Single Nucleotide Polymorphisms (dbSNP), NHLBI Exome Sequencing Project (ESP), and 1000 Genomes Project. In the ESP, this variant was not observed in 6503 samples (13006 alleles) with coverage at this position. To date, this alteration has been detected with an allele frequency of approximately 0.001% (greater than 175000 alleles tested) in our clinical cohort. This amino acid position is highly conserved in available vertebrate species. In addition, this alteration is predicted to be deleterious by in silico analysis. Since supporting evidence is limited at this time, the clinical significance of this alteration remains unclear.